The following is an entry in ClinVar:

NM_001351132.2(PEX5):c.620A>G (p.Asp207Gly)

Gene: PEX5 (peroxisomal biogenesis factor 5; plus strand). Cytogenetic location: 12p13.31.
Variant type: single nucleotide variant.
Coding change: c.620A>G on transcript NM_001351132.2 (MANE Select); coding-DNA position 620, A replaced by G.
Protein change: p.Asp207Gly; replaces aspartic acid 207 with glycine.
Molecular consequence: missense variant.
Genome position (GRCh38, 1-based): chr12:7,201,819, A>G. VCF-style: chr12-7201819-A-G. GRCh37 (hg19) VCF-style: chr12-7354415-A-G.
Other names: c.620A>G, p.Asp207Gly (NM_000319.5, NM_001131024.2, NM_001131025.2 and 19 more transcripts); c.665A>G, p.Asp222Gly (NM_001131023.2, NM_001351135.3, NM_001351138.2); c.620A>G (NM_001131025.1); short protein forms D222G, D207G.
Identifiers: ClinVar variation 1432957 (VCV001432957.6), dbSNP rs1011160954, ClinGen allele CA232470882.
Genomic context (GRCh38, chr12:7,201,819, plus strand): 5'-AATATCATCCTGAGGAGGATCTGCAGCACACGGCCAGTGACTTTGTGGCCAAAGTGGATG[A>G]CCCCAAATTGGCTAATTCTGAGGTGAGCCACATCCCTCTGCTGCTTTGCCCAGCAGAGCT-3'
Protein context (NP_001338061.1, residues 197-217): TASDFVAKVD[Asp207Gly]PKLANSEFLK

ClinVar aggregate classification (germline): Uncertain significance. Review status: criteria provided, multiple submitters, no conflicts (2 of 4 stars). 2 submissions from 2 submitters: Uncertain significance (2). Last evaluated 2025-07-01.

Conditions:
Inborn genetic diseases. Identifiers: MedGen C0950123, MeSH D030342.
Peroxisome biogenesis disorder 2B (PBD2B). Identifiers: Orphanet 44, MedGen C3550234, MONDO:0008736, OMIM 202370.

Allele frequency attached by ClinVar (database versions not stated): gnomAD exomes 0.00001; TOPMed 0.00002.
gnomAD v4.1: 14 of 1,613,308 alleles (0.00087%); highest among the groups gnomAD compares: African/African-American, 0.004%; no homozygotes.

Submissions (2):

Ambry Genetics
Classification: Uncertain significance for Inborn genetic diseases. Last evaluated: 2025-07-01. Review status: criteria provided, single submitter. Criteria: Ambry Variant Classification Scheme 2023. Collection method: clinical testing. Allele origin: germline.

Labcorp Genetics (formerly Invitae), Labcorp
Classification: Uncertain significance for Peroxisome biogenesis disorder 2B. Last evaluated: 2021-08-27. Review status: criteria provided, single submitter. Criteria: Invitae Variant Classification Sherloc (09022015). Collection method: clinical testing. Allele origin: germline.
Comment: This sequence change replaces aspartic acid with glycine at codon 207 of the PEX5 protein (p.Asp207Gly). The aspartic acid residue is moderately conserved and there is a moderate physicochemical difference between aspartic acid and glycine. This variant is not present in population databases (ExAC no frequency). This variant has not been reported in the literature in individuals affected with PEX5-related conditions. Algorithms developed to predict the effect of missense changes on protein structure and function are either unavailable or do not agree on the potential impact of this missense change (SIFT: "Tolerated"; PolyPhen-2: "Probably Damaging"; Align-GVGD: "Class C0"). In summary, the available evidence is currently insufficient to determine the role of this variant in disease. Therefore, it has been classified as a Variant of Uncertain Significance.